The following is an entry in ClinVar:

NM_001029883.3(PCARE):c.308T>C (p.Leu103Pro)

Gene: PCARE (photoreceptor cilium actin regulator; minus strand). Cytogenetic location: 2p23.2.
Variant type: single nucleotide variant.
Coding change: c.308T>C on transcript NM_001029883.3 (MANE Select); coding-DNA position 308, T replaced by C.
Protein change: p.Leu103Pro; replaces leucine 103 with proline.
Molecular consequence: missense variant.
Genome position (GRCh38, 1-based): chr2:29,073,954, A>G on the plus strand (T>C on the coding strand, the complement: PCARE is on the minus strand). VCF-style: chr2-29073954-A-G. GRCh37 (hg19) VCF-style: chr2-29296820-A-G.
Other names: c.308T>C (NM_001029883.2); short protein forms L103P.
Identifiers: ClinVar variation 1009623 (VCV001009623.12), dbSNP rs367745882, ClinGen allele CA1592677.

ClinVar aggregate classification (germline): Uncertain significance. Review status: criteria provided, multiple submitters, no conflicts (2 of 4 stars). 3 submissions from 3 submitters: Uncertain significance (3). Last evaluated 2026-04-03.

Conditions:
PCARE-related disorder. Also called: PCARE-related condition.

Allele frequency attached by ClinVar (database versions not stated): gnomAD exomes 0.00002 and 0.00005; gnomAD 0.00003 and 0.00004; TOPMed 0.00004; ExAC 0.00006; ESP Exome Variant Server 0.00025.
gnomAD v4.1: 31 of 1,614,088 alleles (0.0019%); highest among the groups gnomAD compares: Non-Finnish European, 0.00076%; no homozygotes.

Submissions (3):

PreventionGenetics, part of Exact Sciences
Classification: Uncertain significance for PCARE-related condition. Last evaluated: 2026-04-03. Review status: criteria provided, single submitter. Criteria: ACMG Guidelines, 2015. Collection method: clinical testing. Allele origin: germline.
Comment: The PCARE c.308T>C variant is predicted to result in the amino acid substitution p.Leu103Pro. To our knowledge, this variant has not been reported in the literature. This variant is reported in 0.079% of alleles in individuals of Ashkenazi Jewish descent in gnomAD, which may be too frequent to be a primary cause of disease. Although we suspect that this variant may be benign, the clinical significance of this variant is currently classified as uncertain due to the absence of conclusive functional and genetic evidence.

Labcorp Genetics (formerly Invitae), Labcorp
Classification: Uncertain significance. Last evaluated: 2022-07-05. Review status: criteria provided, single submitter. Criteria: Invitae Variant Classification Sherloc (09022015). Collection method: clinical testing. Allele origin: germline.
Comment: This variant is present in population databases (rs367745882, gnomAD 0.09%). This sequence change replaces leucine, which is neutral and non-polar, with proline, which is neutral and non-polar, at codon 103 of the PCARE protein (p.Leu103Pro). This variant has not been reported in the literature in individuals affected with PCARE-related conditions. ClinVar contains an entry for this variant (Variation ID: 1009623). Algorithms developed to predict the effect of missense changes on protein structure and function output the following: SIFT: "Tolerated"; PolyPhen-2: "Benign"; Align-GVGD: "Class C0". The proline amino acid residue is found in multiple mammalian species, which suggests that this missense change does not adversely affect protein function. In summary, the available evidence is currently insufficient to determine the role of this variant in disease. Therefore, it has been classified as a Variant of Uncertain Significance.

Blueprint Genetics
Classification: Uncertain significance. Last evaluated: 2019-07-19. Review status: criteria provided, single submitter. Criteria: ACMG Guidelines, 2015. Collection method: clinical testing. Allele origin: germline.